The following is an entry in ClinVar:

ClinVar aggregate classification (germline): Benign (1 of 4 stars; one submission).

Allele frequency attached by ClinVar (database versions not stated): gnomAD 0.21406 and 0.21469; TOPMed 0.22046; 1000 Genomes Project 0.23882; 1000 Genomes Project 30x 0.24157.
gnomAD v4.1: 32,341 of 151,316 alleles (21%); highest among the groups gnomAD compares: African/African-American, 33%; 3,865 homozygotes.

Submission:

GeneDx
Classification: Benign. Last evaluated: 2018-06-14. Review status: criteria provided, single submitter. Criteria: GeneDx Variant Classification (06012015). Collection method: clinical testing. Allele origin: germline. Affected: yes.
Comment: This variant is considered likely benign or benign based on one or more of the following criteria: it is a conservative change, it occurs at a poorly conserved position in the protein, it is predicted to be benign by multiple in silico algorithms, and/or has population frequency not consistent with disease.

NM_001127222.2(CACNA1A):c.1256-224C>A

Gene: CACNA1A (calcium voltage-gated channel subunit alpha1 A; minus strand). Cytogenetic location: 19p13.13.
Variant type: single nucleotide variant.
Coding change: c.1256-224C>A on transcript NM_001127222.2 (MANE Select); 224 bases into the intron before coding-DNA position 1256, C replaced by A.
Molecular consequence: intron variant.
Genome position (GRCh38, 1-based): chr19:13,330,557, G>T on the plus strand (C>A on the coding strand, the complement: CACNA1A is on the minus strand). VCF-style: chr19-13330557-G-T. GRCh37 (hg19) VCF-style: chr19-13441371-G-T.
Other names: c.1256-221C>A (NM_001127221.2, NM_001174080.2, NM_000068.4 and 1 more transcripts).
Identifiers: ClinVar variation 680237 (VCV000680237.1), dbSNP rs11085843, ClinGen allele CA14683823.